The following is an entry in ClinVar:

NM_194454.3(KRIT1):c.1400C>A (p.Ser467Ter)

Gene: KRIT1 (KRIT1 ankyrin repeat containing; minus strand). Cytogenetic location: 7q21.2.
Variant type: single nucleotide variant.
Coding change: c.1400C>A on transcript NM_194454.3 (MANE Select); coding-DNA position 1400, C replaced by A.
Protein change: p.Ser467Ter; replaces serine 467 with a stop codon.
Molecular consequence: nonsense.
Genome position (GRCh38, 1-based): chr7:92,222,833, G>T on the plus strand (C>A on the coding strand, the complement: KRIT1 is on the minus strand). VCF-style: chr7-92222833-G-T. GRCh37 (hg19) VCF-style: chr7-91852147-G-T.
Other names: c.1256C>A, p.Ser419Ter (NM_001013406.2, NM_001350669.1, NM_001350670.1); c.686C>A, p.Ser229Ter (NM_001350671.1); c.1400C>A, p.Ser467Ter (NM_001350672.1, NM_001350673.1, NM_001350674.1 and 26 more transcripts); short protein forms S467*, S229*, S419*.
Identifiers: ClinVar variation 489287 (VCV000489287.9), dbSNP rs1554513911, ClinGen allele CA368146961.
Genomic context (GRCh38, chr7:92,222,833, plus strand): 5'-CCAAAAAGGAATAATGAGGTTTACTATAACATAATAAAAACTTTCTTACTGAGGTTTTCT[G>T]AACAAATCCATATAGTGAAATATTGCTGAGTTTCTTGAGAGAGACGCATTCCTTCCATTA-3'

ClinVar aggregate classification (germline): Pathogenic/Likely pathogenic. Review status: criteria provided, multiple submitters, no conflicts (2 of 4 stars). 3 submissions from 3 submitters: Pathogenic (2); Likely pathogenic (1). Last evaluated 2024-01-12.

Conditions:
Cerebral cavernous malformation (CCM). Also called: Cerebral cavernous malformations; Cerebral cavernous hemangioma (type); CAVERNOUS ANGIOMA, FAMILIAL; CAVERNOUS ANGIOMATOUS MALFORMATIONS; CEREBRAL CAPILLARY MALFORMATIONS; Cavernous Hemangioma of Brain. Identifiers: Orphanet 221061, MedGen C2919945, MONDO:0000820, OMIM 116860, HP:0033522.

Submissions (3):

Labcorp Genetics (formerly Invitae), Labcorp
Classification: Pathogenic for Cerebral cavernous malformation. Last evaluated: 2024-01-12. Review status: criteria provided, single submitter. Criteria: Invitae Variant Classification Sherloc (09022015). Collection method: clinical testing. Allele origin: germline.
Comment: This sequence change creates a premature translational stop signal (p.Ser467*) in the KRIT1 gene. It is expected to result in an absent or disrupted protein product. Loss-of-function variants in KRIT1 are known to be pathogenic (PMID: 10508515, 11222804, 12404106, 24689081). This variant is not present in population databases (gnomAD no frequency). This variant has not been reported in the literature in individuals affected with KRIT1-related conditions. ClinVar contains an entry for this variant (Variation ID: 489287). Algorithms developed to predict the effect of sequence changes on RNA splicing suggest that this variant may disrupt the consensus splice site. For these reasons, this variant has been classified as Pathogenic.

Athena Diagnostics
Classification: Likely pathogenic. Last evaluated: 2023-10-11. Review status: criteria provided, single submitter. Criteria: Athena Diagnostics Criteria. Collection method: clinical testing. Allele origin: unknown.
Comment: This variant is expected to result in the loss of a functional protein. This variant has not been reported in large, multi-ethnic general populations.

GeneDx
Classification: Pathogenic. Last evaluated: 2023-04-14. Review status: criteria provided, single submitter. Criteria: GeneDx Variant Classification Process June 2021. Collection method: clinical testing. Allele origin: germline. Affected: yes.
Comment: Nonsense variant predicted to result in protein truncation or nonsense mediated decay in a gene for which loss of function is a known mechanism of disease; Not observed at significant frequency in large population cohorts (gnomAD); Has not been previously published as pathogenic or benign to our knowledge

Literature cited by the submitters: PubMed 10508515 (cited by Labcorp Genetics (formerly Invitae), Labcorp); PubMed 11222804 (cited by Labcorp Genetics (formerly Invitae), Labcorp); PubMed 12404106 (cited by Labcorp Genetics (formerly Invitae), Labcorp); PubMed 24689081 (cited by Labcorp Genetics (formerly Invitae), Labcorp).